The following is an entry in ClinVar:

NC_000023.10:g.(?_31341705)_(31792319_?)del

Gene: DMD (dystrophin; minus strand). Cytogenetic location: Xp21.2-21.1.
Variant type: Deletion.
Identifiers: ClinVar variation 1458283 (VCV001458283.5).

ClinVar aggregate classification (germline): Pathogenic (1 of 4 stars; one submission).

Conditions:
Duchenne muscular dystrophy (DMD). Also called: Duchenne Muscular Dystrophy (DMD); MUSCULAR DYSTROPHY, PSEUDOHYPERTROPHIC PROGRESSIVE, DUCHENNE TYPE. Identifiers: Orphanet 98896, MedGen C0013264, MONDO:0010679, OMIM 310200.

Submission:

Labcorp Genetics (formerly Invitae), Labcorp
Classification: Pathogenic for Duchenne muscular dystrophy. Last evaluated: 2021-01-22. Review status: criteria provided, single submitter. Criteria: Invitae Variant Classification Sherloc (09022015). Collection method: clinical testing. Allele origin: germline.
Comment: This variant is a gross deletion of the genomic region encompassing exon(s) 51-62 of the DMD gene. This deletion is out-of-frame, and is expected to create a premature translational stop signal and result in an absent or disrupted protein product. Loss-of-function variants in DMD are known to be pathogenic (PMID: 16770791, 25007885). For these reasons, this variant has been classified as Pathogenic. This variant has not been reported in the literature in individuals with DMD-related conditions.

Literature cited by the submitters: PubMed 16770791; PubMed 25007885.